The following is an entry in ClinVar:

NM_020207.7(ERCC6L2):c.1787A>G (p.Asn596Ser)

Gene: ERCC6L2 (ERCC excision repair 6 like 2; plus strand). Cytogenetic location: 9q22.32.
Variant type: single nucleotide variant.
Coding change: c.1787A>G on transcript NM_020207.7 (MANE Select); coding-DNA position 1787, A replaced by G.
Protein change: p.Asn596Ser; replaces asparagine 596 with serine.
Molecular consequence: missense variant. On other transcripts: non-coding transcript variant (1).
Genome position (GRCh38, 1-based): chr9:95,941,489, A>G. VCF-style: chr9-95941489-A-G. GRCh37 (hg19) VCF-style: chr9-98703771-A-G.
Other names: c.1787A>G, p.Asn596Ser (NM_001010895.4, NM_001375291.1, NM_001375292.1 and 2 more transcripts); short protein forms N596S.
Identifiers: ClinVar variation 3845898 (VCV003845898.1).

ClinVar aggregate classification (germline): Uncertain significance (1 of 4 stars; one submission).

Conditions:
Inborn genetic diseases. Identifiers: MedGen C0950123, MeSH D030342.

gnomAD v4.1: 8 of 1,613,110 alleles (0.0005%); highest among the groups gnomAD compares: Non-Finnish European, 0.00068%; no homozygotes.

Submission:

Ambry Genetics
Classification: Uncertain significance for Inborn genetic diseases. Last evaluated: 2025-01-27. Review status: criteria provided, single submitter. Criteria: Ambry Variant Classification Scheme 2023. Collection method: clinical testing. Allele origin: germline.
Comment: The p.N596S variant (also known as c.1787A>G), located in coding exon 12 of the ERCC6L2 gene, results from an A to G substitution at nucleotide position 1787. The asparagine at codon 596 is replaced by serine, an amino acid with highly similar properties. This amino acid position is conserved. In addition, this alteration is predicted to be tolerated by in silico analysis. Based on the available evidence, the clinical significance of this variant remains unclear.